The following is an entry in ClinVar:

NM_001853.4(COL9A3):c.423+1G>A

Gene: COL9A3 (collagen type IX alpha 3 chain; plus strand). Cytogenetic location: 20q13.33.
Variant type: single nucleotide variant.
Coding change: c.423+1G>A on transcript NM_001853.4 (MANE Select); the canonical splice donor site of the intron after coding-DNA position 423, G replaced by A.
Molecular consequence: splice donor variant.
Genome position (GRCh38, 1-based): chr20:62,821,811, G>A. VCF-style: chr20-62821811-G-A. GRCh37 (hg19) VCF-style: chr20-61453163-G-A.
Identifiers: ClinVar variation 2032032 (VCV002032032.4), dbSNP rs566417594, ClinGen allele CA409588653.
Genomic context (GRCh38, chr20:62,821,811, plus strand): 5'-CTCCAGGGAGAGGCAGGAGTGAGCGGCCCCCCAGGTGGGATCGGCCTCCGCGGCCCCCCG[G>A]TGAGTGGCTGTCCCAGAGCCCCTCAGAGTGTGCTCACCTGTGGCCTCCACCCCCAGACTC-3'

ClinVar aggregate classification (germline): Uncertain significance (1 of 4 stars; one submission).

Allele frequency attached by ClinVar (database versions not stated): TOPMed 0.00001.

Submission:

Labcorp Genetics (formerly Invitae), Labcorp
Classification: Uncertain significance. Last evaluated: 2022-09-23. Review status: criteria provided, single submitter. Criteria: Invitae Variant Classification Sherloc (09022015). Collection method: clinical testing. Allele origin: germline.
Comment: This sequence change affects a donor splice site in intron 8 of the COL9A3 gene. However, it is currently unclear if variants that occur in this region of the gene cause disease. This variant is not present in population databases (gnomAD no frequency). This variant has not been reported in the literature in individuals affected with COL9A3-related conditions. Algorithms developed to predict the effect of sequence changes on RNA splicing suggest that this variant may disrupt the consensus splice site. In summary, the available evidence is currently insufficient to determine the role of this variant in disease. Therefore, it has been classified as a Variant of Uncertain Significance.